The following is an entry in ClinVar:

ClinVar aggregate classification (germline): Conflicting classifications of pathogenicity. Review status: criteria provided, conflicting classifications (1 of 4 stars). 2 submissions from 2 submitters: Uncertain significance (1); Likely benign (1). Last evaluated 2026-01-30.

Conditions:
Hereditary cancer-predisposing syndrome. Also called: Tumor predisposition; Hereditary Cancer Syndrome; Hereditary neoplastic syndrome; Neoplastic Syndromes, Hereditary. Identifiers: Orphanet 140162, MedGen C0027672, MeSH D009386, MONDO:0015356.

Submissions (2):

Ambry Genetics
Classification: Likely benign for Hereditary cancer-predisposing syndrome. Last evaluated: 2026-01-30. Review status: criteria provided, single submitter. Criteria: Ambry Variant Classification Scheme 2023. Collection method: clinical testing. Allele origin: germline.

Color Diagnostics, LLC DBA Color Health
Classification: Uncertain significance for Hereditary cancer-predisposing syndrome. Last evaluated: 2024-03-06. Review status: criteria provided, single submitter. Criteria: ACMG Guidelines, 2015. Collection method: clinical testing. Allele origin: germline.
Comment: This missense variant replaces leucine with isoleucine at codon 3119 of the BRCA2 protein. Computational prediction is inconclusive regarding the impact of this variant on protein structure and function (internally defined REVEL score threshold 0.5 < inconclusive < 0.7, PMID: 27666373). To our knowledge, functional studies have not been reported for this variant. This variant has not been reported in individuals affected with hereditary cancer in the literature. This variant has not been identified in the general population by the Genome Aggregation Database (gnomAD). The available evidence is insufficient to determine the role of this variant in disease conclusively. Therefore, this variant is classified as a Variant of Uncertain Significance.

NM_000059.4(BRCA2):c.9355T>A (p.Leu3119Ile)

Gene: BRCA2 (BRCA2 DNA repair associated; plus strand). Cytogenetic location: 13q13.1.
Variant type: single nucleotide variant.
Coding change: c.9355T>A on transcript NM_000059.4 (MANE Select); coding-DNA position 9355, T replaced by A.
Protein change: p.Leu3119Ile; replaces leucine 3119 with isoleucine.
Molecular consequence: missense variant. On other transcripts: non-coding transcript variant (1).
Genome position (GRCh38, 1-based): chr13:32,394,787, T>A. VCF-style: chr13-32394787-T-A. GRCh37 (hg19) VCF-style: chr13-32968924-T-A.
Other names: c.9259T>A, p.Leu3087Ile (NM_001406719.1); c.9304T>A, p.Leu3102Ile (NM_001406720.1); c.4423T>A, p.Leu1475Ile (NM_001406721.1); c.2938T>A, p.Leu980Ile (NM_001406722.1); short protein forms L980I, L1475I, L3102I, L3119I, L3087I.
Identifiers: ClinVar variation 2774964 (VCV002774964.3), dbSNP rs2137653046, ClinGen allele CA387761126.
Genomic context (GRCh38, chr13:32,394,787, plus strand): 5'-AATTTACTGGCAATAAAGTTTTGGATAGACCTTAATGAGGACATTATTAAGCCTCATATG[T>A]TAATTGCTGCAAGCAACCTCCAGTGGCGACCAGAATCCAAATCAGGCCTTCTTACTTTAT-3'
Protein context (NP_000050.3, residues 3109-3129): LNEDIIKPHM[Leu3119Ile]IAASNLQWRP